The following is an entry in ClinVar:

NM_001370466.1(NOD2):c.1093G>A (p.Glu365Lys)

Gene: NOD2 (nucleotide binding oligomerization domain containing 2; plus strand). Cytogenetic location: 16q12.1.
Variant type: single nucleotide variant.
Coding change: c.1093G>A on transcript NM_001370466.1 (MANE Select); coding-DNA position 1093, G replaced by A.
Protein change: p.Glu365Lys; replaces glutamic acid 365 with lysine.
Molecular consequence: missense variant. On other transcripts: non-coding transcript variant (1).
Genome position (GRCh38, 1-based): chr16:50,711,085, G>A. VCF-style: chr16-50711085-G-A. GRCh37 (hg19) VCF-style: chr16-50744996-G-A.
Other names: c.1093G>A, p.Glu365Lys (NM_001293557.2); c.1174G>A, p.Glu392Lys (NM_022162.3); short protein forms E365K, E392K.
Identifiers: ClinVar variation 2160470 (VCV002160470.4), dbSNP rs763868196, ClinGen allele CA8051483.

ClinVar aggregate classification (germline): Uncertain significance (1 of 4 stars; one submission).

Conditions:
Blau syndrome (BLAUS). Also called: GRANULOMATOSIS, FAMILIAL JUVENILE SYSTEMIC; GRANULOMATOSIS, FAMILIAL, BLAU TYPE; GRANULOMATOUS INFLAMMATORY ARTHRITIS, DERMATITIS, AND UVEITIS, FAMILIAL; JABS SYNDROME; ARTHROCUTANEOUVEAL GRANULOMATOSIS. Identifiers: Orphanet 90340, MedGen C5201146, MONDO:0008523, OMIM 186580.
Regional enteritis. Also called: Enteritis, Granulomatous. Identifiers: MedGen C0678202, MeSH D003424.

Allele frequency attached by ClinVar (database versions not stated): gnomAD exomes below 0.00001; gnomAD 0.00001; ExAC 0.00002; TOPMed 0.00002.
gnomAD v4.1: 7 of 1,614,022 alleles (0.00043%); highest among the groups gnomAD compares: Admixed American, 0.005%; no homozygotes.

Submission:

Labcorp Genetics (formerly Invitae), Labcorp
Classification: Uncertain significance for Regional enteritis; Blau syndrome. Last evaluated: 2024-12-07. Review status: criteria provided, single submitter. Criteria: Invitae Variant Classification Sherloc (09022015). Collection method: clinical testing. Allele origin: germline.
Comment: This sequence change replaces glutamic acid, which is acidic and polar, with lysine, which is basic and polar, at codon 392 of the NOD2 protein (p.Glu392Lys). This variant is present in population databases (rs763868196, gnomAD 0.003%). This variant has not been reported in the literature in individuals affected with NOD2-related conditions. ClinVar contains an entry for this variant (Variation ID: 2160470). Invitae Evidence Modeling of protein sequence and biophysical properties (such as structural, functional, and spatial information, amino acid conservation, physicochemical variation, residue mobility, and thermodynamic stability) indicates that this missense variant is not expected to disrupt NOD2 protein function with a negative predictive value of 95%. In summary, the available evidence is currently insufficient to determine the role of this variant in disease. Therefore, it has been classified as a Variant of Uncertain Significance.